The following is an entry in ClinVar:

NM_032383.5(HPS3):c.2681A>G (p.His894Arg)

Genes: CP (ceruloplasmin; minus strand), HPS3 (HPS3 biogenesis of lysosomal organelles complex 2 subunit 1; plus strand). Cytogenetic location: 3q24.
Variant type: single nucleotide variant.
Coding change: c.2681A>G on transcript NM_032383.5 (MANE Select); coding-DNA position 2681, A replaced by G.
Protein change: p.His894Arg; replaces histidine 894 with arginine.
Molecular consequence: missense variant.
Genome position (GRCh38, 1-based): chr3:149,167,125, A>G. VCF-style: chr3-149167125-A-G. GRCh37 (hg19) VCF-style: chr3-148884912-A-G.
Other names: c.2186A>G, p.His729Arg (NM_001308258.2); short protein forms H729R, H894R.
Identifiers: ClinVar variation 4705222 (VCV004705222.1).
Genomic context (GRCh38, chr3:149,167,125, plus strand): 5'-CTTCCATTATTCCGTTCTTGGAGCCACTTTCAGAAGACACTATTGCCGGCCTCAGTGTCC[A>G]TGTTCTGTGTCGTACACGCTTGAAAGAGTATGAACAGTGCATAGACATACTGTTAGAGAG-3'
Protein context (NP_115759.2, residues 884-904): SEDTIAGLSV[His894Arg]VLCRTRLKEY

ClinVar aggregate classification (germline): Uncertain significance (1 of 4 stars; one submission).

gnomAD v4.1: 1 of 1,613,840 alleles (0.000062%); highest among the groups gnomAD compares: African/African-American, 0.0013%; no homozygotes.

Submission:

Labcorp Genetics (formerly Invitae), Labcorp
Classification: Uncertain significance. Last evaluated: 2025-07-19. Review status: criteria provided, single submitter. Criteria: Invitae Variant Classification Sherloc (09022015). Collection method: clinical testing. Allele origin: germline.
Comment: This sequence change replaces histidine, which is basic and polar, with arginine, which is basic and polar, at codon 894 of the HPS3 protein (p.His894Arg). This variant is not present in population databases (gnomAD no frequency). This variant has not been reported in the literature in individuals affected with HPS3-related conditions. Invitae Evidence Modeling of protein sequence and biophysical properties (such as structural, functional, and spatial information, amino acid conservation, physicochemical variation, residue mobility, and thermodynamic stability) has been performed for this missense variant. However, the output from this modeling did not meet the statistical confidence thresholds required to predict the impact of this variant on HPS3 protein function. In summary, the available evidence is currently insufficient to determine the role of this variant in disease. Therefore, it has been classified as a Variant of Uncertain Significance.